The following is an entry in ClinVar:

NM_024312.5(GNPTAB):c.1086T>C (p.Asn362=)

Gene: GNPTAB (N-acetylglucosamine-1-phosphate transferase subunits alpha and beta; minus strand). Cytogenetic location: 12q23.2.
Variant type: single nucleotide variant.
Coding change: c.1086T>C on transcript NM_024312.5 (MANE Select); coding-DNA position 1086, T replaced by C.
Protein change: p.Asn362=; no amino-acid change (asparagine 362 retained).
Molecular consequence: synonymous variant.
Genome position (GRCh38, 1-based): chr12:101,770,433, A>G on the plus strand (T>C on the coding strand, the complement: GNPTAB is on the minus strand). VCF-style: chr12-101770433-A-G. GRCh37 (hg19) VCF-style: chr12-102164211-A-G.
Identifiers: ClinVar variation 727709 (VCV000727709.12), dbSNP rs908316825, ClinGen allele CA242462485.

ClinVar aggregate classification (germline): Likely benign. Review status: criteria provided, single submitter (1 of 4 stars). 2 submissions from 2 submitters: Likely benign (1). 1 of the submissions does not count toward it. Last evaluated 2025-08-18.

Conditions:
GNPTAB-Related Disorders. Also called: GNPTAB-related disorder; GNPTAB-related condition. Identifiers: MedGen CN381523.
Mucolipidosis type II. Also called: Mucolipidosis II Alpha/Beta; ML II ALPHA/BETA; Mucolipidosis 2; ML 2; Inclusion cell disease; Leroy Disease. Identifiers: Orphanet 576, MedGen C2673377, MONDO:0009650, OMIM 252500.
Pseudo-Hurler polydystrophy. Also called: MUCOLIPIDOSIS IIIA; ML III; ML III ALPHA/BETA; Type III Mucolipidosis; ML IIIA; Mucolipidosis III Alpha/Beta. Identifiers: Orphanet 423461, Orphanet 577, MedGen C0033788, MONDO:0018931, OMIM 252600.

Allele frequency attached by ClinVar (database versions not stated): TOPMed 0.00002; gnomAD 0.00001; gnomAD exomes below 0.00001.
gnomAD v4.1: 5 of 1,613,730 alleles (0.00031%); highest among the groups gnomAD compares: Non-Finnish European, 0.00042%; no homozygotes.

Submissions (2):

Labcorp Genetics (formerly Invitae), Labcorp
Classification: Likely benign for Pseudo-Hurler polydystrophy; Mucolipidosis type II. Last evaluated: 2025-08-18. Review status: criteria provided, single submitter. Criteria: Invitae Variant Classification Sherloc (09022015). Collection method: clinical testing. Allele origin: germline.

PreventionGenetics, part of Exact Sciences
Classification: Likely benign for GNPTAB-related condition. Last evaluated: 2019-03-14. Review status: no assertion criteria provided. Collection method: clinical testing. Allele origin: germline. Not counted in ClinVar's aggregate classification.
Comment: This variant is classified as likely benign based on ACMG/AMP sequence variant interpretation guidelines (Richards et al. 2015 PMID: 25741868, with internal and published modifications).